The following is an entry in ClinVar:

ClinVar aggregate classification (germline): Likely benign (1 of 4 stars; one submission).

gnomAD v4.1: 23 of 1,592,894 alleles (0.0014%); highest among the groups gnomAD compares: South Asian, 0.016%; 1 homozygote.

Submission:

CeGaT Center for Human Genetics Tuebingen
Classification: Likely benign. Last evaluated: 2024-09-01. Review status: criteria provided, single submitter. Criteria: CeGaT Center For Human Genetics Tuebingen Variant Classification Criteria Version 2. Collection method: clinical testing. Allele origin: germline. Affected: yes. Observed: 1 variant allele.
Comment: BRD4: BS2

NM_001379291.1(BRD4):c.3803C>T (p.Ala1268Val)

Gene: BRD4 (bromodomain containing 4; minus strand). Cytogenetic location: 19p13.12.
Variant type: single nucleotide variant.
Coding change: c.3803C>T on transcript NM_001379291.1 (MANE Select); coding-DNA position 3803, C replaced by T.
Protein change: p.Ala1268Val; replaces alanine 1268 with valine.
Molecular consequence: missense variant.
Genome position (GRCh38, 1-based): chr19:15,238,960, G>A on the plus strand (C>T on the coding strand, the complement: BRD4 is on the minus strand). VCF-style: chr19-15238960-G-A. GRCh37 (hg19) VCF-style: chr19-15349771-G-A.
Other names: c.3803C>T, p.Ala1268Val (NM_058243.3); short protein forms A1268V.
Identifiers: ClinVar variation 3389111 (VCV003389111.14).
Genomic context (GRCh38, chr19:15,238,960, plus strand): 5'-TGCTGCTGCTGCTCCTGGCGCCGACGTGCCTCCTCATGGGCCCGCCGGGCCTGCTCCAGC[G>A]CATCCTCGTCCTCTCGGCTCCTGGGCAGAGGGTCCCAGTCAGCCTGGGGACTGGTGTGGC-3'
Protein context (NP_001366220.1, residues 1258-1278): ERMRSREDED[Ala1268Val]LEQARRAHEE